The following is an entry in ClinVar:

NM_001370595.2(COA8):c.321+261T>G

Gene: COA8 (cytochrome c oxidase assembly factor 8; plus strand). Cytogenetic location: 14q32.33.
Variant type: single nucleotide variant.
Coding change: c.321+261T>G on transcript NM_001370595.2 (MANE Select); 261 bases into the intron after coding-DNA position 321, T replaced by G.
Molecular consequence: intron variant.
Genome position (GRCh38, 1-based): chr14:103,572,081, T>G. VCF-style: chr14-103572081-T-G. GRCh37 (hg19) VCF-style: chr14-104038418-T-G.
Other names: c.360+261T>G (NM_032374.4); c.321+261T>G (NM_001302653.2, NM_001302654.2).
Identifiers: ClinVar variation 683281 (VCV000683281.1), dbSNP rs28744517, ClinGen allele CA13951363.
Genomic context (GRCh38, chr14:103,572,081, plus strand): 5'-GGAGGCTGAGGCAGGAGAATGGCGTGAACCCGGGAGGCAGAGCTTGCAGTGAGCGGAGAT[T>G]GCGCCACTGCACTCCAGCCTGGGTGACAGAGCCAGACTCGTCTCAAAAAAAAAAAAAGAA-3'

ClinVar aggregate classification (germline): Benign (1 of 4 stars; one submission).

Allele frequency attached by ClinVar (database versions not stated): 1000 Genomes Project 0.20907; 1000 Genomes Project 30x 0.21205; TOPMed 0.27519.
gnomAD v4.1: 42,523 of 150,172 alleles (28%); highest among the groups gnomAD compares: Middle Eastern, 38%; 6,415 homozygotes.

Submission:

GeneDx
Classification: Benign. Last evaluated: 2018-06-14. Review status: criteria provided, single submitter. Criteria: GeneDx Variant Classification (06012015). Collection method: clinical testing. Allele origin: germline. Affected: yes.
Comment: This variant is considered likely benign or benign based on one or more of the following criteria: it is a conservative change, it occurs at a poorly conserved position in the protein, it is predicted to be benign by multiple in silico algorithms, and/or has population frequency not consistent with disease.